The following is an entry in ClinVar:

NM_004370.6(COL12A1):c.2663C>A (p.Ala888Glu)

Gene: COL12A1 (collagen type XII alpha 1 chain; minus strand). Cytogenetic location: 6q13.
Variant type: single nucleotide variant.
Coding change: c.2663C>A on transcript NM_004370.6 (MANE Select); coding-DNA position 2663, C replaced by A.
Protein change: p.Ala888Glu; replaces alanine 888 with glutamic acid.
Molecular consequence: missense variant. On other transcripts: intron variant (1).
Genome position (GRCh38, 1-based): chr6:75,175,085, G>T on the plus strand (C>A on the coding strand, the complement: COL12A1 is on the minus strand). VCF-style: chr6-75175085-G-T. GRCh37 (hg19) VCF-style: chr6-75884801-G-T.
Other names: c.74-22603C>A (NM_080645.3); short protein forms A888E.
Identifiers: ClinVar variation 1463684 (VCV001463684.8), dbSNP rs777386471, ClinGen allele CA364761294.

ClinVar aggregate classification (germline): Uncertain significance (1 of 4 stars; one submission).

Conditions:
Ullrich congenital muscular dystrophy 2 (UCMD2). Identifiers: Orphanet 75840, MedGen C4225314, MONDO:0014654, OMIM 616470.
Bethlem myopathy 2 (BTHLM2). Identifiers: Orphanet 536516, Orphanet 610, MedGen C4225313, MONDO:0034022, OMIM 616471.

Submission:

Labcorp Genetics (formerly Invitae), Labcorp
Classification: Uncertain significance for Bethlem myopathy 2; Ullrich congenital muscular dystrophy 2. Last evaluated: 2020-12-09. Review status: criteria provided, single submitter. Criteria: Invitae Variant Classification Sherloc (09022015). Collection method: clinical testing. Allele origin: germline.
Comment: In summary, the available evidence is currently insufficient to determine the role of this variant in disease. Therefore, it has been classified as a Variant of Uncertain Significance. Algorithms developed to predict the effect of missense changes on protein structure and function are either unavailable or do not agree on the potential impact of this missense change (SIFT: "Tolerated"; PolyPhen-2: "Probably Damaging"; Align-GVGD: "Class C0"). This variant has not been reported in the literature in individuals with COL12A1-related conditions. This variant is not present in population databases (ExAC no frequency). This sequence change replaces alanine with glutamic acid at codon 888 of the COL12A1 protein (p.Ala888Glu). The alanine residue is moderately conserved and there is a moderate physicochemical difference between alanine and glutamic acid.